The following is an entry in ClinVar:

NM_130468.4(CHST14):c.288G>A (p.Arg96=)

Gene: CHST14 (carbohydrate sulfotransferase 14; plus strand). Cytogenetic location: 15q15.1.
Variant type: single nucleotide variant.
Coding change: c.288G>A on transcript NM_130468.4 (MANE Select); coding-DNA position 288, G replaced by A.
Protein change: p.Arg96=; no amino-acid change (arginine 96 retained).
Molecular consequence: synonymous variant.
Genome position (GRCh38, 1-based): chr15:40,471,501, G>A. VCF-style: chr15-40471501-G-A. GRCh37 (hg19) VCF-style: chr15-40763700-G-A.
Other names: p.Arg96=.
Identifiers: ClinVar variation 210731 (VCV000210731.20), dbSNP rs371684007, ClinGen allele CA207177.

ClinVar aggregate classification (germline): Benign/Likely benign. Review status: criteria provided, multiple submitters, no conflicts (2 of 4 stars). 5 submissions from 5 submitters: Benign (3); Likely benign (2). Last evaluated 2025-12-24.

Conditions:
Ehlers-Danlos syndrome, musculocontractural type (EDSMC). Also called: ARTHROGRYPOSIS, DISTAL, WITH PECULIAR FACIES AND HYDRONEPHROSIS; ADDUCTED THUMB-CLUBFOOT SYNDROME; Adducted thumb, clubfoot, progressive joint and skin laxity syndrome; DUNDAR SYNDROME. Identifiers: Orphanet 2953, MedGen C1866294, MONDO:0011142.
Cardiovascular phenotype. Identifiers: MedGen CN230736.

Allele frequency attached by ClinVar (database versions not stated): gnomAD exomes 0.00053; ExAC 0.00080; gnomAD 0.00180 and 0.00195; TOPMed 0.00197; ESP Exome Variant Server 0.00209; 1000 Genomes Project 0.00260; 1000 Genomes Project 30x 0.00312.

Submissions (5):

Labcorp Genetics (formerly Invitae), Labcorp
Classification: Benign for Ehlers-Danlos syndrome, musculocontractural type. Last evaluated: 2025-12-24. Review status: criteria provided, single submitter. Criteria: Invitae Variant Classification Sherloc (09022015). Collection method: clinical testing. Allele origin: germline.

Mayo Clinic Laboratories, Mayo Clinic
Classification: Benign. Last evaluated: 2024-11-12. Review status: criteria provided, single submitter. Criteria: ACMG Guidelines, 2015. Collection method: clinical testing. Allele origin: germline. Observed: 3 variant alleles.
Comment: BS1, BS2, BP4, BP7

GeneDx
Classification: Likely benign. Last evaluated: 2021-01-27. Review status: criteria provided, single submitter. Criteria: GeneDx Variant Classification Process June 2021. Collection method: clinical testing. Allele origin: germline. Affected: yes.

Ambry Genetics
Classification: Benign for Cardiovascular phenotype. Last evaluated: 2020-11-20. Review status: criteria provided, single submitter. Criteria: Ambry Variant Classification Scheme 2023. Collection method: clinical testing. Allele origin: germline.

Genetic Services Laboratory, University of Chicago
Classification: Likely benign. Last evaluated: 2015-07-24. Review status: criteria provided, single submitter. Criteria: ACMG Guidelines, 2015. Collection method: clinical testing. Allele origin: germline.